The following is an entry in ClinVar:

NM_002204.4(ITGA3):c.2707-7G>A

Gene: ITGA3 (integrin subunit alpha 3; plus strand). Cytogenetic location: 17q21.33.
Variant type: single nucleotide variant.
Coding change: c.2707-7G>A on transcript NM_002204.4 (MANE Select); 7 bases into the intron before coding-DNA position 2707, G replaced by A.
Molecular consequence: intron variant.
Genome position (GRCh38, 1-based): chr17:50,080,255, G>A. VCF-style: chr17-50080255-G-A. GRCh37 (hg19) VCF-style: chr17-48157619-G-A.
Other names: c.2707-7G>A (NM_002204.3).
Identifiers: ClinVar variation 2898474 (VCV002898474.4), dbSNP rs559954731, ClinGen allele CA8642024.

ClinVar aggregate classification (germline): Likely benign. Review status: criteria provided, multiple submitters, no conflicts (2 of 4 stars). 2 submissions from 2 submitters: Likely benign (2). Last evaluated 2026-01-17.

Conditions:
ITGA3-related disorder. Also called: ITGA3-related condition.

Allele frequency attached by ClinVar (database versions not stated): ExAC 0.00003.
gnomAD v4.1: 42 of 1,562,996 alleles (0.0027%); highest among the groups gnomAD compares: African/African-American, 0.02%; no homozygotes.

Submissions (2):

Labcorp Genetics (formerly Invitae), Labcorp
Classification: Likely benign. Last evaluated: 2026-01-17. Review status: criteria provided, single submitter. Criteria: Invitae Variant Classification Sherloc (09022015). Collection method: clinical testing. Allele origin: germline.

PreventionGenetics, part of Exact Sciences
Classification: Likely benign for ITGA3-related condition. Last evaluated: 2025-06-17. Review status: criteria provided, single submitter. Criteria: ACMG Guidelines, 2015. Collection method: clinical testing. Allele origin: germline.
Comment: This variant is classified as likely benign based on ACMG/AMP sequence variant interpretation guidelines (Richards et al. 2015 PMID: 25741868, with internal and published modifications).